The following is an entry in ClinVar:

NM_001042492.3(NF1):c.894A>C (p.Leu298Phe)

Gene: NF1 (neurofibromin 1; plus strand). Cytogenetic location: 17q11.2.
Variant type: single nucleotide variant.
Coding change: c.894A>C on transcript NM_001042492.3 (MANE Select); coding-DNA position 894, A replaced by C.
Protein change: p.Leu298Phe; replaces leucine 298 with phenylalanine.
Molecular consequence: missense variant.
Genome position (GRCh38, 1-based): chr17:31,200,427, A>C. VCF-style: chr17-31200427-A-C. GRCh37 (hg19) VCF-style: chr17-29527445-A-C.
Other names: c.894A>C, p.Leu298Phe (NM_000267.4, NM_001128147.3); short protein forms L298F.
Identifiers: ClinVar variation 1765200 (VCV001765200.6), dbSNP rs1361812147, ClinGen allele CA398995505.

ClinVar aggregate classification (germline): Conflicting classifications of pathogenicity. Review status: criteria provided, conflicting classifications (1 of 4 stars). 2 submissions from 2 submitters: Uncertain significance (1); Likely benign (1). Last evaluated 2026-07-28.

Conditions:
Cardiovascular phenotype. Identifiers: MedGen CN230736.
Hereditary cancer-predisposing syndrome. Also called: Hereditary Cancer Syndrome; Hereditary neoplastic syndrome; Neoplastic Syndromes, Hereditary; Tumor predisposition. Identifiers: Orphanet 140162, MedGen C0027672, MeSH D009386, MONDO:0015356.
Neurofibromatosis, type 1 (NF1). Also called: VON RECKLINGHAUSEN DISEASE; Peripheral type neurofibromatosis; Neurofibromatosis, type I; NEUROFIBROMATOSIS, TYPE I, SOMATIC. Identifiers: Orphanet 636, MedGen C0027831, MONDO:0018975, OMIM 162200. Disease mechanism: loss of function.

gnomAD v4.1: 1 of 1,614,060 alleles (0.000062%); no homozygotes.

Submissions (2):

Ambry Genetics
Classification: Likely benign for Cardiovascular phenotype; Hereditary cancer-predisposing syndrome. Last evaluated: 2026-07-28. Review status: criteria provided, single submitter. Criteria: Ambry Variant Classification Scheme 2023. Collection method: clinical testing. Allele origin: germline.

Labcorp Genetics (formerly Invitae), Labcorp
Classification: Uncertain significance for Neurofibromatosis, type 1. Last evaluated: 2023-06-05. Review status: criteria provided, single submitter. Criteria: Invitae Variant Classification Sherloc (09022015). Collection method: clinical testing. Allele origin: germline.
Comment: This sequence change replaces leucine, which is neutral and non-polar, with phenylalanine, which is neutral and non-polar, at codon 298 of the NF1 protein (p.Leu298Phe). This variant is not present in population databases (gnomAD no frequency). This variant has not been reported in the literature in individuals affected with NF1-related conditions. ClinVar contains an entry for this variant (Variation ID: 1765200). Advanced modeling of protein sequence and biophysical properties (such as structural, functional, and spatial information, amino acid conservation, physicochemical variation, residue mobility, and thermodynamic stability) performed at Invitae indicates that this missense variant is not expected to disrupt NF1 protein function. In summary, the available evidence is currently insufficient to determine the role of this variant in disease. Therefore, it has been classified as a Variant of Uncertain Significance.